The following is an entry in ClinVar:

NM_004183.4(BEST1):c.297C>A (p.Asn99Lys)

Gene: BEST1 (bestrophin 1; plus strand). Cytogenetic location: 11q12.3.
Variant type: single nucleotide variant.
Coding change: c.297C>A on transcript NM_004183.4 (MANE Select); coding-DNA position 297, C replaced by A.
Protein change: p.Asn99Lys; replaces asparagine 99 with lysine.
Molecular consequence: missense variant. On other transcripts: non-coding transcript variant (1).
Genome position (GRCh38, 1-based): chr11:61,955,767, C>A. VCF-style: chr11-61955767-C-A. GRCh37 (hg19) VCF-style: chr11-61723239-C-A.
Other names: c.117C>A, p.Asn39Lys (NM_001139443.3, NM_001300786.2, NM_001300787.2); c.-22C>A (NM_001363591.3); c.297C>A, p.Asn99Lys (NM_001363592.2); c.-879C>A (NM_001363593.3); short protein forms N99K, N39K.
Identifiers: ClinVar variation 99707 (VCV000099707.12), dbSNP rs281865227, ClinGen allele CA227760.

ClinVar aggregate classification (germline): Pathogenic. Review status: criteria provided, multiple submitters, no conflicts (2 of 4 stars). 4 submissions from 4 submitters: Pathogenic (3). 1 of the submissions does not count toward it. Last evaluated 2023-09-19.

Conditions:
Retinal dystrophy. Also called: Inherited retinal dystrophy. Identifiers: Orphanet 71862, MedGen C0854723, MeSH D058499, MONDO:0019118, HP:0000556.

Submissions (4):

Labcorp Genetics (formerly Invitae), Labcorp
Classification: Pathogenic. Last evaluated: 2023-09-19. Review status: criteria provided, single submitter. Criteria: Invitae Variant Classification Sherloc (09022015). Collection method: clinical testing. Allele origin: germline.
Comment: For these reasons, this variant has been classified as Pathogenic. This variant disrupts the p.Asn99 amino acid residue in BEST1. Other variant(s) that disrupt this residue have been observed in individuals with BEST1-related conditions (PMID: 21109774, 30718709), which suggests that this may be a clinically significant amino acid residue. Experimental studies have shown that this missense change affects BEST1 function (PMID: 11904445). Advanced modeling of protein sequence and biophysical properties (such as structural, functional, and spatial information, amino acid conservation, physicochemical variation, residue mobility, and thermodynamic stability) performed at Invitae indicates that this missense variant is expected to disrupt BEST1 protein function. ClinVar contains an entry for this variant (Variation ID: 99707). This missense change has been observed in individuals with vitelliform macular dystrophy (PMID: 10854112, 16612637; Invitae). This variant is not present in population databases (gnomAD no frequency). This sequence change replaces asparagine, which is neutral and polar, with lysine, which is basic and polar, at codon 99 of the BEST1 protein (p.Asn99Lys).

Institute of Medical Genetics and Applied Genomics, University Hospital Tübingen
Classification: Pathogenic. Last evaluated: 2020-10-23. Review status: criteria provided, single submitter. Criteria: ACMG Guidelines, 2015. Collection method: clinical testing. Allele origin: germline. Inheritance: Unknown mechanism. Affected: yes.

Institute of Human Genetics, Univ. Regensburg, Univ. Regensburg
Classification: Pathogenic for Retinal dystrophy. Last evaluated: 2010-01-01. Review status: criteria provided, single submitter. Criteria: ACMG Guidelines, 2015. Collection method: clinical testing. Allele origin: germline. Affected: yes.

Retina International
No classification provided. Review status: no classification provided. Collection method: not provided. Allele origin: not provided. Not counted in ClinVar's aggregate classification.

Literature cited by the submitters: PubMed 21109774 (cited by Labcorp Genetics (formerly Invitae), Labcorp); PubMed 30718709 (cited by Labcorp Genetics (formerly Invitae), Labcorp); PubMed 11904445 (cited by Labcorp Genetics (formerly Invitae), Labcorp); PubMed 10854112 (cited by Labcorp Genetics (formerly Invitae), Labcorp); PubMed 16612637 (cited by Labcorp Genetics (formerly Invitae), Labcorp and Institute of Human Genetics, Univ. Regensburg, Univ. Regensburg); PubMed 10737974 (cited by Institute of Human Genetics, Univ. Regensburg, Univ. Regensburg); PubMed 35836572 (cited by Institute of Human Genetics, Univ. Regensburg, Univ. Regensburg).